The following is an entry in ClinVar:

ClinVar aggregate classification (germline): Pathogenic. Review status: criteria provided, multiple submitters, no conflicts (2 of 4 stars). 2 submissions from 2 submitters: Pathogenic (2). Last evaluated 2024-06-19.

Conditions:
IRF6-related condition. Also called: IRF6-Related Disorders; IRF6-related disorder. Identifiers: MedGen CN378148, MONDO:1040010.
Orofacial cleft 6, susceptibility to (OFC6). Also called: CLEFT LIP WITH OR WITHOUT CLEFT PALATE, NONSYNDROMIC, 6. Identifiers: MedGen C1837213, MONDO:0012141, OMIM 608864.
Popliteal pterygium syndrome (PPS). Identifiers: Orphanet 294963, MedGen C0265259, MONDO:0017435.
Van der Woude syndrome. Identifiers: Orphanet 888, MedGen C0175697, MONDO:0019508.

Allele frequency attached by ClinVar (database versions not stated): gnomAD exomes below 0.00001.
gnomAD v4.1: 1 of 1,613,640 alleles (0.000062%); highest among the groups gnomAD compares: Non-Finnish European, 0.000085%; no homozygotes.

Submissions (2):

Blueprint Genetics
Classification: Pathogenic for IRF6-related disorders. Last evaluated: 2024-06-19. Review status: criteria provided, single submitter. Criteria: ACMG Guidelines, 2015. Collection method: clinical testing. Allele origin: germline. Affected: yes. Observed: 2 variant alleles.

Labcorp Genetics (formerly Invitae), Labcorp
Classification: Pathogenic for Orofacial cleft 6, susceptibility to; Van der Woude syndrome; Popliteal pterygium syndrome. Last evaluated: 2022-10-12. Review status: criteria provided, single submitter. Criteria: Invitae Variant Classification Sherloc (09022015). Collection method: clinical testing. Allele origin: germline.
Comment: This sequence change replaces asparagine, which is neutral and polar, with serine, which is neutral and polar, at codon 88 of the IRF6 protein (p.Asn88Ser). This variant is not present in population databases (gnomAD no frequency). This missense change has been observed in individuals with clinical features of Van der Woude syndrome (PMID: 19282774, 31901040; Invitae). It has also been observed to segregate with disease in related individuals. ClinVar contains an entry for this variant (Variation ID: 1440379). Advanced modeling of protein sequence and biophysical properties (such as structural, functional, and spatial information, amino acid conservation, physicochemical variation, residue mobility, and thermodynamic stability) performed at Invitae indicates that this missense variant is expected to disrupt IRF6 protein function. For these reasons, this variant has been classified as Pathogenic.

Literature cited by the submitters: PubMed 19282774 (cited by Labcorp Genetics (formerly Invitae), Labcorp); PubMed 31901040 (cited by Labcorp Genetics (formerly Invitae), Labcorp).

NM_006147.4(IRF6):c.263A>G (p.Asn88Ser)

Gene: IRF6 (interferon regulatory factor 6; minus strand). Cytogenetic location: 1q32.2.
Variant type: single nucleotide variant.
Coding change: c.263A>G on transcript NM_006147.4 (MANE Select); coding-DNA position 263, A replaced by G.
Protein change: p.Asn88Ser; replaces asparagine 88 with serine.
Molecular consequence: missense variant. On other transcripts: 5 prime UTR variant (1).
Genome position (GRCh38, 1-based): chr1:209,796,464, T>C on the plus strand (A>G on the coding strand, the complement: IRF6 is on the minus strand). VCF-style: chr1-209796464-T-C. GRCh37 (hg19) VCF-style: chr1-209969809-T-C.
Other names: c.-23A>G (NM_001206696.2); short protein forms N88S.
Identifiers: ClinVar variation 1440379 (VCV001440379.9), dbSNP rs2102542868, ClinGen allele CA344583258.